The following is an entry in ClinVar:

ClinVar aggregate classification (germline): Benign/Likely benign. Review status: criteria provided, multiple submitters, no conflicts (2 of 4 stars). 4 submissions from 4 submitters: Benign (1); Likely benign (3). Last evaluated 2024-10-24.

Conditions:
Birt-Hogg-Dube syndrome 1 (BHD1). Also called: FIBROFOLLICULOMAS WITH TRICHODISCOMAS AND ACROCHORDONS. Identifiers: Orphanet 122, MedGen CN375946, MONDO:0800445, OMIM 135150.
Hereditary cancer-predisposing syndrome. Also called: Tumor predisposition; Hereditary neoplastic syndrome; Neoplastic Syndromes, Hereditary; Hereditary Cancer Syndrome. Identifiers: Orphanet 140162, MedGen C0027672, MeSH D009386, MONDO:0015356.
Birt-Hogg-Dube syndrome. Also called: Birt Hogg Dubé syndrome. Identifiers: Orphanet 122, MedGen C0346010, MONDO:0800444.
Familial spontaneous pneumothorax (PSP). Identifiers: Orphanet 2903, MedGen C1868193, MONDO:0008259, OMIM 173600.
Nonpapillary renal cell carcinoma. Identifiers: Orphanet 422526, MedGen CN074294, MONDO:0007763, OMIM 144700.
17p11.2 microduplication syndrome (PTLS). Also called: CHROMOSOME 17p11.2 DUPLICATION SYNDROME; Potocki-Lupski syndrome; Duplication 17p11.2 syndrome; Potocki-Lupski syndrome (dup(17)(p11.2p11.2)). Identifiers: Orphanet 1713, MedGen C2931246, MONDO:0012574, OMIM 610883.
Colorectal cancer. Also called: Malignant Colorectal Neoplasm; Colorectal cancer, somatic. Identifiers: MedGen C0346629, MONDO:0005575, OMIM 114500.

Allele frequency attached by ClinVar (database versions not stated): gnomAD exomes below 0.00001; TOPMed below 0.00001.
gnomAD v4.1: 2 of 1,614,124 alleles (0.00012%); highest among the groups gnomAD compares: African/African-American, 0.0013%; no homozygotes.

Submissions (4):

Myriad Genetics, Inc.
Classification: Benign for Birt-Hogg-Dube syndrome 1. Last evaluated: 2024-10-24. Review status: criteria provided, single submitter. Criteria: Myriad Autosomal Dominant, Autosomal Recessive and X-Linked Classification Criteria (2023). Collection method: clinical testing. Allele origin: unknown.
Comment: This variant is considered benign. This variant is a silent/synonymous amino acid change and it is not expected to impact splicing.

Labcorp Genetics (formerly Invitae), Labcorp
Classification: Likely benign for Birt-Hogg-Dube syndrome. Last evaluated: 2024-07-08. Review status: criteria provided, single submitter. Criteria: Invitae Variant Classification Sherloc (09022015). Collection method: clinical testing. Allele origin: germline.

Fulgent Genetics
Classification: Likely benign for Colorectal cancer; Birt-Hogg-Dube syndrome 1; Nonpapillary renal cell carcinoma; Familial spontaneous pneumothorax; 17p11.2 microduplication syndrome. Last evaluated: 2022-03-24. Review status: criteria provided, single submitter. Criteria: ACMG Guidelines, 2015. Collection method: clinical testing. Allele origin: unknown.

Ambry Genetics
Classification: Likely benign for Hereditary cancer-predisposing syndrome. Last evaluated: 2020-03-30. Review status: criteria provided, single submitter. Criteria: Ambry Variant Classification Scheme 2023. Collection method: clinical testing. Allele origin: germline.

NM_144997.7(FLCN):c.1353T>C (p.Pro451=)

Gene: FLCN (folliculin; minus strand). Cytogenetic location: 17p11.2.
Variant type: single nucleotide variant.
Coding change: c.1353T>C on transcript NM_144997.7 (MANE Select); coding-DNA position 1353, T replaced by C.
Protein change: p.Pro451=; no amino-acid change (proline 451 retained).
Molecular consequence: synonymous variant.
Genome position (GRCh38, 1-based): chr17:17,215,264, A>G on the plus strand (T>C on the coding strand, the complement: FLCN is on the minus strand). VCF-style: chr17-17215264-A-G. GRCh37 (hg19) VCF-style: chr17-17118578-A-G.
Other names: c.1407T>C, p.Pro469= (NM_001353229.2); c.1353T>C, p.Pro451= (NM_001353230.2, NM_001353231.2).
Identifiers: ClinVar variation 707712 (VCV000707712.14), dbSNP rs1597580172, ClinGen allele CA498421340.